The following is an entry in ClinVar:

ClinVar aggregate classification (germline): Pathogenic/Likely pathogenic. Review status: criteria provided, multiple submitters, no conflicts (2 of 4 stars). 4 submissions from 4 submitters: Pathogenic (2); Likely pathogenic (2). Last evaluated 2024-10-29.

Conditions:
Zellweger spectrum disorders (ZS). Also called: Zellweger syndrome; Zellweger Spectrum Disorder; Zellweger Spectrum; Zellweger Spectrum Disorder (ZSD). Identifiers: Orphanet 912, MedGen C0043459, MONDO:0019609.
Peroxisome biogenesis disorder. Identifiers: Orphanet 79189, MedGen C1832200, MONDO:0019234. Disease mechanism: loss of function.
Peroxisome biogenesis disorder 1A (Zellweger) (PBD1A). Also called: Peroxisome biogenesis disorder 1a; Zellweger leukodystrophy. Identifiers: MedGen C4721541, MONDO:0008953, OMIM 214100.

Submissions (4):

Labcorp Genetics (formerly Invitae), Labcorp
Classification: Pathogenic for Zellweger spectrum disorders. Last evaluated: 2024-10-29. Review status: criteria provided, single submitter. Criteria: Invitae Variant Classification Sherloc (09022015). Collection method: clinical testing. Allele origin: germline.
Comment: This sequence change creates a premature translational stop signal (p.Thr643Profs*2) in the PEX1 gene. It is expected to result in an absent or disrupted protein product. Loss-of-function variants in PEX1 are known to be pathogenic (PMID: 21031596, 26387595, 31831025). This variant is not present in population databases (gnomAD no frequency). This variant has not been reported in the literature in individuals affected with PEX1-related conditions. ClinVar contains an entry for this variant (Variation ID: 576112). For these reasons, this variant has been classified as Pathogenic.

Myriad Genetics, Inc.
Classification: Pathogenic for Peroxisome biogenesis disorder. Last evaluated: 2023-08-23. Review status: criteria provided, single submitter. Criteria: Myriad Autosomal Dominant, Autosomal Recessive and X-Linked Classification Criteria (2023). Collection method: clinical testing. Allele origin: unknown.
Comment: NM_000466.2(PEX1):c.1927delA(T643Pfs*2) is expected to be pathogenic in the context of peroxisome biogenesis disorder type 1. This variant is predicted to lead to an abnormal or absent protein product due to the creation of a premature termination codon in PEX1, a gene where loss-of-function variants are known to be pathogenic. Please note: this variant was assessed in the context of healthy population screening.

Genome-Nilou Lab
Classification: Likely pathogenic for Peroxisome biogenesis disorder 1A (Zellweger). Last evaluated: 2021-07-22. Review status: criteria provided, single submitter. Criteria: ACMG Guidelines, 2015. Collection method: clinical testing. Allele origin: germline. Affected: no.

Women's Health and Genetics/Laboratory Corporation of America, LabCorp
Classification: Likely pathogenic for Peroxisome biogenesis disorders, Zellweger syndrome spectrum. Last evaluated: 2020-03-02. Review status: criteria provided, single submitter. Criteria: LabCorp Variant Classification Summary - May 2015. Collection method: clinical testing. Allele origin: germline.
Comment: Variant summary: PEX1 c.1927delA (p.Thr643ProfsX2) results in a premature termination codon, predicted to cause a truncation of the encoded protein or absence of the protein due to nonsense mediated decay, which are commonly known mechanisms for disease. Truncations downstream of this position have been classified as pathogenic by our laboratory. The variant was absent in 251302 control chromosomes. To our knowledge, no occurrence of c.1927delA in individuals affected with Zellweger Syndrome and no experimental evidence demonstrating its impact on protein function have been reported. One clinical diagnostic laboratory has submitted clinical-significance assessments for this variant to ClinVar after 2014 without evidence for independent evaluation and classified the variant as pathogenic. Based on the evidence outlined above, the variant was classified as likely pathogenic.

Literature cited by the submitters: PubMed 21031596 (cited by Labcorp Genetics (formerly Invitae), Labcorp); PubMed 26387595 (cited by Labcorp Genetics (formerly Invitae), Labcorp); PubMed 31831025 (cited by Labcorp Genetics (formerly Invitae), Labcorp).

NM_000466.3(PEX1):c.1927del (p.Thr643fs)

Gene: PEX1 (peroxisomal biogenesis factor 1; minus strand). Cytogenetic location: 7q21.2.
Variant type: Deletion.
Coding change: c.1927del on transcript NM_000466.3 (MANE Select); coding-DNA position 1927, one base deleted (A; older notation c.1927delA).
Protein change: p.Thr643fs; shifts the reading frame from threonine 643.
Molecular consequence: frameshift variant. On other transcripts: intron variant (1).
Genome position (GRCh38, 1-based): chr7:92,504,876, T deleted on the plus strand (A on the coding strand, the reverse complement: PEX1 is on the minus strand); the first of 6 consecutive T bases (chr7:92,504,876-92,504,881); deleting any one gives the same sequence. VCF-style (leftmost placement, unchanged base first): chr7-92504875-GT-G. GRCh37 (hg19) VCF-style: chr7-92134189-GT-G.
Other names: c.1303del, p.Thr435fs (NM_001282678.2); c.1900+1372del (NM_001282677.2); short protein forms T435fs, T643fs.
Identifiers: ClinVar variation 576112 (VCV000576112.12), dbSNP rs1554372180, ClinGen allele CA891842767.
Genomic context (GRCh38, chr7:92,504,875, plus strand): 5'-TCATCCAGCAGGACAACAGATGGCTGCATCCACACTGCCTCTGAGAAAGCCACCTCTAGG[GT>G]TTTTTGTATGTTTTCAAGCCTTTTTCCTTAATACAGAAGATATGAAATGGTTTCAGTATC-3'